The following is an entry in ClinVar:

NM_152683.4(PRIMPOL):c.853A>G (p.Thr285Ala)

Gene: PRIMPOL (primase and DNA directed polymerase; plus strand). Cytogenetic location: 4q35.1.
Variant type: single nucleotide variant.
Coding change: c.853A>G on transcript NM_152683.4 (MANE Select); coding-DNA position 853, A replaced by G.
Protein change: p.Thr285Ala; replaces threonine 285 with alanine.
Molecular consequence: missense variant. On other transcripts: non-coding transcript variant (2), intron variant (1).
Genome position (GRCh38, 1-based): chr4:184,678,240, A>G. VCF-style: chr4-184678240-A-G. GRCh37 (hg19) VCF-style: chr4-185599394-A-G.
Other names: c.853A>G (NM_152683.3); c.466A>G, p.Thr156Ala (NM_001300767.2); c.853A>G, p.Thr285Ala (NM_001300768.2, NM_001345891.2, NM_001345892.2 and 3 more transcripts); c.157A>G, p.Thr53Ala (NM_001345894.2, NM_001345897.2, NM_001345898.2 and 1 more transcripts); c.328A>G, p.Thr110Ala (NM_001345900.2); c.844+5780A>G (NM_001345899.2); short protein forms T285A, T110A, T156A, T53A.
Identifiers: ClinVar variation 2460680 (VCV002460680.4), dbSNP rs147314180, ClinGen allele CA3154421.
Genomic context (GRCh38, chr4:184,678,240, plus strand): 5'-AACTAATAACAGAAAACATGCTTTCATATTGTTTTATCAATTTTTGATGTAGGAGTTTAT[A>G]CAAGAAATAGAAACTTTCGGCTATATAAATCATCAAAAATTGGAAAGCGTGTGGCTTTGG-3'
Protein context (NP_689896.1, residues 275-295): KHLFVDLGVY[Thr285Ala]RNRNFRLYKS

ClinVar aggregate classification (germline): Conflicting classifications of pathogenicity. Review status: criteria provided, conflicting classifications (1 of 4 stars). 2 submissions from 2 submitters: Uncertain significance (1); Likely benign (1). Last evaluated 2026-03-18.

Conditions:
PRIMPOL-related disorder. Also called: PRIMPOL-related condition.

Allele frequency attached by ClinVar (database versions not stated): TOPMed 0.00034; ExAC 0.00042; gnomAD 0.00042; gnomAD exomes 0.00055; ESP Exome Variant Server 0.00062.
gnomAD v4.1: 853 of 1,574,426 alleles (0.054%); highest among the groups gnomAD compares: Non-Finnish European, 0.068%; 3 homozygotes.

Submissions (2):

PreventionGenetics, part of Exact Sciences
Classification: Likely benign for PRIMPOL-related condition. Last evaluated: 2026-03-18. Review status: criteria provided, single submitter. Criteria: ACMG Guidelines, 2015. Collection method: clinical testing. Allele origin: germline.
Comment: This variant is classified as likely benign based on ACMG/AMP sequence variant interpretation guidelines (Richards et al. 2015 PMID: 25741868, with internal and published modifications).

Ambry Genetics
Classification: Uncertain significance. Last evaluated: 2025-04-11. Review status: criteria provided, single submitter. Criteria: Ambry Variant Classification Scheme 2023. Collection method: clinical testing. Allele origin: germline.